The following is an entry in ClinVar:

NM_198578.4(LRRK2):c.1111T>C (p.Cys371Arg)

Gene: LRRK2 (leucine rich repeat kinase 2; plus strand). Cytogenetic location: 12q12.
Variant type: single nucleotide variant.
Coding change: c.1111T>C on transcript NM_198578.4 (MANE Select); coding-DNA position 1111, T replaced by C.
Protein change: p.Cys371Arg; replaces cysteine 371 with arginine.
Molecular consequence: missense variant.
Genome position (GRCh38, 1-based): chr12:40,251,474, T>C. VCF-style: chr12-40251474-T-C. GRCh37 (hg19) VCF-style: chr12-40645276-T-C.
Other names: short protein forms C371R.
Identifiers: ClinVar variation 1795344 (VCV001795344.2), dbSNP rs2499505243, ClinGen allele CA384408047.

ClinVar aggregate classification (germline): Uncertain significance (1 of 4 stars; one submission).

Conditions:
Inborn genetic diseases. Identifiers: MedGen C0950123, MeSH D030342.

Submission:

Ambry Genetics
Classification: Uncertain significance for Inborn genetic diseases. Last evaluated: 2023-12-29. Review status: criteria provided, single submitter. Criteria: Ambry Variant Classification Scheme 2023. Collection method: clinical testing. Allele origin: germline.
Comment: The p.C371R variant (also known as c.1111T>C), located in coding exon 10 of the LRRK2 gene, results from a T to C substitution at nucleotide position 1111. The cysteine at codon 371 is replaced by arginine, an amino acid with highly dissimilar properties. This amino acid position is conserved. In addition, the in silico prediction for this alteration is inconclusive. Since supporting evidence is limited at this time, the clinical significance of this alteration remains unclear.